The following is an entry in ClinVar:

NC_000013.10:g.(?_48877971)_(48878195_?)dup

Gene: RB1 (RB transcriptional corepressor 1; plus strand). Cytogenetic location: 13q14.2.
Variant type: Duplication.
Identifiers: ClinVar variation 3244131 (VCV003244131.1).

ClinVar aggregate classification (germline): Uncertain significance (1 of 4 stars; one submission).

Conditions:
Retinoblastoma (RB1). Also called: RETINOBLASTOMA, SOMATIC. Identifiers: Orphanet 790, MedGen C0035335, MeSH D012175, MONDO:0008380, OMIM 180200, HP:0009919. Disease mechanism: loss of function. Inheritance: Both sporadic and heritable forms are tested..

Submission:

Labcorp Genetics (formerly Invitae), Labcorp
Classification: Uncertain significance for Retinoblastoma. Last evaluated: 2021-03-06. Review status: criteria provided, single submitter. Criteria: Invitae Variant Classification Sherloc (09022015). Collection method: clinical testing. Allele origin: unknown.
Comment: This variant has not been reported in the literature in individuals with RB1-related conditions. In summary, the available evidence is currently insufficient to determine the role of this variant in disease. Therefore, it has been classified as a Variant of Uncertain Significance. Experimental studies and prediction algorithms are not available or were not evaluated, and the functional significance of this variant is currently unknown. This variant results in a copy number gain of the genomic region encompassing exon(s) 1 of the RB1 gene. This region includes the initiator codon of the gene. The 5' end of this event is unknown as it extends beyond the assayed region for this gene and therefore may encompass additional genes. The 3' boundary is likely confined to intron 1 of the RB1 gene. As the precise location of this event is unknown, it may be in tandem or it may be located elsewhere in the genome.